The following is an entry in ClinVar:

ClinVar aggregate classification (germline): Uncertain significance (1 of 4 stars; one submission).

gnomAD v4.1: 1 of 1,614,072 alleles (0.000062%); highest among the groups gnomAD compares: Non-Finnish European, 0.000085%; no homozygotes.

Submission:

Labcorp Genetics (formerly Invitae), Labcorp
Classification: Uncertain significance. Last evaluated: 2025-05-21. Review status: criteria provided, single submitter. Criteria: Invitae Variant Classification Sherloc (09022015). Collection method: clinical testing. Allele origin: germline.
Comment: This sequence change replaces threonine, which is neutral and polar, with isoleucine, which is neutral and non-polar, at codon 287 of the MBD4 protein (p.Thr287Ile). This variant is present in population databases (rs769058530, gnomAD 0.0009%). This variant has not been reported in the literature in individuals affected with MBD4-related conditions. An algorithm developed to predict the effect of missense changes on protein structure and function (PolyPhen-2) suggests that this variant is likely to be disruptive. In summary, the available evidence is currently insufficient to determine the role of this variant in disease. Therefore, it has been classified as a Variant of Uncertain Significance.

NM_001276270.2(MBD4):c.860C>T (p.Thr287Ile)

Gene: MBD4 (methyl-CpG binding domain 4, DNA glycosylase; minus strand). Cytogenetic location: 3q21.3.
Variant type: single nucleotide variant.
Coding change: c.860C>T on transcript NM_001276270.2 (MANE Select); coding-DNA position 860, C replaced by T.
Protein change: p.Thr287Ile; replaces threonine 287 with isoleucine.
Molecular consequence: missense variant. On other transcripts: intron variant (1).
Genome position (GRCh38, 1-based): chr3:129,436,784, G>A on the plus strand (C>T on the coding strand, the complement: MBD4 is on the minus strand). VCF-style: chr3-129436784-G-A. GRCh37 (hg19) VCF-style: chr3-129155627-G-A.
Other names: c.860C>T, p.Thr287Ile (NM_001276271.2, NM_001276272.2, NM_003925.3); c.247+1024C>T (NM_001276273.2); short protein forms T287I.
Identifiers: ClinVar variation 4719936 (VCV004719936.1).